The following is an entry in ClinVar:

ClinVar aggregate classification (germline): Pathogenic (1 of 4 stars; one submission).

Submission:

Labcorp Genetics (formerly Invitae), Labcorp
Classification: Pathogenic. Last evaluated: 2017-12-07. Review status: criteria provided, single submitter. Criteria: Invitae Variant Classification Sherloc (09022015). Collection method: clinical testing. Allele origin: germline.
Comment: For these reasons, this variant has been classified as Pathogenic. Loss-of-function variants in PROK2 are known to be pathogenic (PMID: 17959774). This variant has not been reported in the literature in individuals with PROK2-related disease. This variant is not present in population databases (ExAC no frequency). This sequence change creates a premature translational stop signal (p.Cys34Profs*18) in the PROK2 gene. It is expected to result in an absent or disrupted protein product.

Literature cited by the submitters: PubMed 17959774.

NM_001126128.2(PROK2):c.100_112del (p.Cys34fs)

Gene: PROK2 (prokineticin 2; minus strand). Cytogenetic location: 3p13.
Variant type: Deletion.
Coding change: c.100_112del on transcript NM_001126128.2 (MANE Select); coding-DNA positions 100 to 112, 13 bases deleted (TGTGACAAGGACT).
Protein change: p.Cys34fs; shifts the reading frame from cysteine 34.
Molecular consequence: frameshift variant.
Genome position (GRCh38, 1-based): chr3:71,781,577-71,781,589, AGTCCTTGTCACA deleted on the plus strand (TGTGACAAGGACT on the coding strand, the reverse complement: PROK2 is on the minus strand); deleting any 13 consecutive bases within chr3:71,781,577-71,781,591 gives the same sequence; the c. name uses the placement nearest the transcript's 3' end. VCF-style (leftmost placement, unchanged base first): chr3-71781576-GAGTCCTTGTCACA-G. GRCh37 (hg19) VCF-style: chr3-71830727-GAGTCCTTGTCACA-G.
Other names: c.100_112del, p.Cys34fs (NM_021935.4); short protein forms C34fs.
Identifiers: ClinVar variation 1074123 (VCV001074123.5), dbSNP rs2108197026, ClinGen allele CA2499216982.